The following is an entry in ClinVar:

NM_015338.6(ASXL1):c.2866C>G (p.Leu956Val)

Gene: ASXL1 (ASXL transcriptional regulator 1; plus strand). Cytogenetic location: 20q11.21.
Variant type: single nucleotide variant.
Coding change: c.2866C>G on transcript NM_015338.6 (MANE Select); coding-DNA position 2866, C replaced by G.
Protein change: p.Leu956Val; replaces leucine 956 with valine.
Molecular consequence: missense variant.
Genome position (GRCh38, 1-based): chr20:32,435,578, C>G. VCF-style: chr20-32435578-C-G. GRCh37 (hg19) VCF-style: chr20-31023381-C-G.
Other names: c.2683C>G, p.Leu895Val (NM_001363734.1); short protein forms L895V, L956V.
Identifiers: ClinVar variation 3438471 (VCV003438471.1).

ClinVar aggregate classification (germline): Uncertain significance (1 of 4 stars; one submission).

Conditions:
Inborn genetic diseases. Identifiers: MedGen C0950123, MeSH D030342.

gnomAD v4.1: 1 of 1,614,102 alleles (0.000062%); highest among the groups gnomAD compares: Non-Finnish European, 0.000085%; no homozygotes.

Submission:

Ambry Genetics
Classification: Uncertain significance for Inborn genetic diseases. Last evaluated: 2024-11-22. Review status: criteria provided, single submitter. Criteria: Ambry Variant Classification Scheme 2023. Collection method: clinical testing. Allele origin: germline.
Comment: The p.L956V variant (also known as c.2866C>G), located in coding exon 13 of the ASXL1 gene, results from a C to G substitution at nucleotide position 2866. The leucine at codon 956 is replaced by valine, an amino acid with highly similar properties. This amino acid position is conserved. In addition, this alteration is predicted to be tolerated by in silico analysis. Based on the available evidence, the clinical significance of this variant remains unclear.